The following is an entry in ClinVar:

NM_201384.3(PLEC):c.5444GGCAGC[1] (p.1815RQ[1])

Gene: PLEC (plectin; minus strand). Cytogenetic location: 8q24.3.
Variant type: Microsatellite.
Coding change: c.5444GGCAGC[1] on transcript NM_201384.3 (MANE Select); one copy of the 6-base unit GGCAGC starting at c.5444; the reference has two copies in a row; one copy, 6 bases deleted.
Protein change: p.1815RQ[1].
Molecular consequence: inframe deletion. On other transcripts: intron variant (1).
Genome position (GRCh38, 1-based): chr8:143,924,474-143,924,479, GCTGCC deleted on the plus strand (GGCAGC on the coding strand, the reverse complement: PLEC is on the minus strand); deleting any 6 consecutive bases within chr8:143,924,474-143,924,488 gives the same sequence; the position shown is the placement nearest the transcript's 3' end. VCF-style (leftmost placement, unchanged base first): chr8-143924473-AGCTGCC-A. GRCh37 (hg19) VCF-style: chr8-144998641-AGCTGCC-A.
Other names: c.5525GGCAGC[1], p.1842RQ[1] (NM_000445.5); c.5402GGCAGC[1], p.1801RQ[1] (NM_201378.4); c.5378GGCAGC[1], p.1793RQ[1] (NM_201379.3); c.5855GGCAGC[1], p.1952RQ[1] (NM_201380.4); c.5348GGCAGC[1], p.1783RQ[1] (NM_201381.3); c.5444GGCAGC[1], p.1815RQ[1] (NM_201382.4); c.5456GGCAGC[1], p.1819RQ[1] (NM_201383.3); c.4126-2084_4126-2079del (NM_001410941.1).
Identifiers: ClinVar variation 2925851 (VCV002925851.3), dbSNP rs1326734672, ClinGen allele CA586158285.

ClinVar aggregate classification (germline): Uncertain significance (1 of 4 stars; one submission).

Conditions:
Epidermolysis bullosa simplex with nail dystrophy (EBS5D). Identifiers: MedGen C4225309, MONDO:0014661, OMIM 616487.
Epidermolysis bullosa simplex, Ogna type (EBS5A). Also called: EPIDERMOLYSIS BULLOSA SIMPLEX 5A, OGNA TYPE; Pidermolysis bullosa simplex 5A, Ogna type. Identifiers: Orphanet 79401, MedGen C0432317, MONDO:0007555, OMIM 131950.
Epidermolysis bullosa simplex 5C, with pyloric atresia (EBS5C). Also called: PLEC1-Related Epidermolysis Bullosa with Pyloric Atresia; PLEC-Related Epidermolysis Bullosa with Pyloric Atresia; Epidermolysis bullosa simplex with pyloric atresia. Identifiers: Orphanet 158684, MedGen C2677349, MONDO:0012807, OMIM 612138.
Autosomal recessive limb-girdle muscular dystrophy type 2Q (LGMDR17). Also called: MUSCULAR DYSTROPHY, LIMB-GIRDLE, AUTOSOMAL RECESSIVE 17. Identifiers: Orphanet 254361, MedGen C3150989, MONDO:0013390, OMIM 613723.
Epidermolysis bullosa simplex 5B, with muscular dystrophy (EBS5B). Also called: EPIDERMOLYSIS BULLOSA SIMPLEX AND LIMB-GIRDLE MUSCULAR DYSTROPHY; Epidermolysis bullosa simplex with muscular dystrophy. Identifiers: Orphanet 257, MedGen C2931072, MONDO:0009181, OMIM 226670.

Submission:

Labcorp Genetics (formerly Invitae), Labcorp
Classification: Uncertain significance for Autosomal recessive limb-girdle muscular dystrophy type 2Q; Epidermolysis bullosa simplex, Ogna type; Epidermolysis bullosa simplex with nail dystrophy; Epidermolysis bullosa simplex 5C, with pyloric atresia; Epidermolysis bullosa simplex 5B, with muscular dystrophy. Last evaluated: 2022-12-13. Review status: criteria provided, single submitter. Criteria: Invitae Variant Classification Sherloc (09022015). Collection method: clinical testing. Allele origin: germline.
Comment: This variant has not been reported in the literature in individuals affected with PLEC-related conditions. This variant is present in population databases (no rsID available, gnomAD 0.01%). This variant, c.5531_5536del, results in the deletion of 2 amino acid(s) of the PLEC protein (p.Arg1844_Gln1845del), but otherwise preserves the integrity of the reading frame. Experimental studies and prediction algorithms are not available or were not evaluated, and the functional significance of this variant is currently unknown. In summary, the available evidence is currently insufficient to determine the role of this variant in disease. Therefore, it has been classified as a Variant of Uncertain Significance.